The following is an entry in ClinVar:

NM_001035.3(RYR2):c.2922T>C (p.Ser974=)

Gene: RYR2 (ryanodine receptor 2; plus strand). Cytogenetic location: 1q43.
Variant type: single nucleotide variant.
Coding change: c.2922T>C on transcript NM_001035.3 (MANE Select); coding-DNA position 2922, T replaced by C.
Protein change: p.Ser974=; no amino-acid change (serine 974 retained).
Molecular consequence: synonymous variant.
Genome position (GRCh38, 1-based): chr1:237,548,446, T>C. VCF-style: chr1-237548446-T-C. GRCh37 (hg19) VCF-style: chr1-237711746-T-C.
Other names: c.2922T>C, p.Ser974= (LRG_402t1).
Identifiers: ClinVar variation 463591 (VCV000463591.44), dbSNP rs750392459, ClinGen allele CA086240.

ClinVar aggregate classification (germline): Likely benign. Review status: criteria provided, multiple submitters, no conflicts (2 of 4 stars). 8 submissions from 8 submitters: Likely benign (6). 2 of the submissions do not count toward it. Last evaluated 2025-07-08.

Conditions:
Cardiomyopathy (CMYO). Also called: Cardiomyopathies. Identifiers: Orphanet 167848, MedGen C0878544, MONDO:0004994, HP:0001638. Inheritance: Various modes of inheritance.
Catecholaminergic polymorphic ventricular tachycardia (CVPT). Also called: Catecholamine-induced polymorphic ventricular tachycardia. Identifiers: Orphanet 3286, MedGen C5574922, MONDO:0017990.
Catecholaminergic polymorphic ventricular tachycardia 1. Also called: VENTRICULAR TACHYCARDIA, STRESS-INDUCED POLYMORPHIC 1; VENTRICULAR TACHYCARDIA, CATECHOLAMINERGIC POLYMORPHIC, 1, WITH OR WITHOUT ATRIAL DYSFUNCTION AND/OR DILATED CARDIOMYOPATHY; RYR2-Related Catecholaminergic Polymorphic Ventricular Tachycardia. Identifiers: Orphanet 3286, MedGen C1631597, MONDO:0011484, OMIM 604772.
Cardiovascular phenotype. Identifiers: MedGen CN230736.

Allele frequency attached by ClinVar (database versions not stated): gnomAD exomes 0.00001; ExAC 0.00002.
gnomAD v4.1: 8 of 1,613,804 alleles (0.0005%); highest among the groups gnomAD compares: Middle Eastern, 0.016%; no homozygotes.

Submissions (8):

Labcorp Genetics (formerly Invitae), Labcorp
Classification: Likely benign for Catecholaminergic polymorphic ventricular tachycardia 1. Last evaluated: 2025-07-08. Review status: criteria provided, single submitter. Criteria: Invitae Variant Classification Sherloc (09022015). Collection method: clinical testing. Allele origin: germline.

Ambry Genetics
Classification: Likely benign for Cardiovascular phenotype. Last evaluated: 2024-07-11. Review status: criteria provided, single submitter. Criteria: Ambry Variant Classification Scheme 2023. Collection method: clinical testing. Allele origin: germline.

All of Us Research Program, National Institutes of Health
Classification: Likely benign for Catecholaminergic polymorphic ventricular tachycardia. Last evaluated: 2023-12-13. Review status: criteria provided, single submitter. Criteria: ACMG Guidelines, 2015. Collection method: clinical testing. Allele origin: germline. Inheritance: Autosomal dominant inheritance. Observed: 2 variant alleles, 2 heterozygotes.
Comment: This study involves interpretation of variants in research participants for the purpose of population health screening. Participant phenotype was not available at the time of variant classification. Additional details can be found in publication PMID: 35346344, PMCID: PMC8962531

CeGaT Center for Human Genetics Tuebingen
Classification: Likely benign. Last evaluated: 2022-10-01. Review status: criteria provided, single submitter. Criteria: CeGaT Center For Human Genetics Tuebingen Variant Classification Criteria Version 2. Collection method: clinical testing. Allele origin: germline. Affected: yes. Observed: 1 variant allele.
Comment: RYR2: BP4, BP7

Blueprint Genetics
Classification: Likely benign. Last evaluated: 2019-11-29. Review status: criteria provided, single submitter. Criteria: ACMG Guidelines, 2015. Collection method: clinical testing. Allele origin: germline.

Color Diagnostics, LLC DBA Color Health
Classification: Likely benign for Cardiomyopathy. Last evaluated: 2019-08-20. Review status: criteria provided, single submitter. Criteria: ACMG Guidelines, 2015. Collection method: clinical testing. Allele origin: germline.

Clinical Genetics, Academic Medical Center
Classification: Benign. Review status: no assertion criteria provided. Collection method: clinical testing. Allele origin: germline. Affected: yes. Study: VKGL Data-share Consensus. Not counted in ClinVar's aggregate classification.

Joint Genome Diagnostic Labs from Nijmegen and Maastricht, Radboudumc and MUMC+
Classification: Likely benign. Review status: no assertion criteria provided. Collection method: clinical testing. Allele origin: germline. Affected: yes. Study: VKGL Data-share Consensus. Not counted in ClinVar's aggregate classification.